The following is an entry in ClinVar:

NM_000081.4(LYST):c.7392G>T (p.Met2464Ile)

Gene: LYST (lysosomal trafficking regulator; minus strand). Cytogenetic location: 1q42.3.
Variant type: single nucleotide variant.
Coding change: c.7392G>T on transcript NM_000081.4 (MANE Select); coding-DNA position 7392, G replaced by T.
Protein change: p.Met2464Ile; replaces methionine 2464 with isoleucine.
Molecular consequence: missense variant.
Genome position (GRCh38, 1-based): chr1:235,753,112, C>A on the plus strand (G>T on the coding strand, the complement: LYST is on the minus strand). VCF-style: chr1-235753112-C-A. GRCh37 (hg19) VCF-style: chr1-235916412-C-A.
Other names: c.7392G>T, p.Met2464Ile (NM_001301365.1); short protein forms M2464I.
Identifiers: ClinVar variation 1468391 (VCV001468391.5), dbSNP rs373798957, ClinGen allele CA344931694.

ClinVar aggregate classification (germline): Uncertain significance (1 of 4 stars; one submission).

Conditions:
Chédiak-Higashi syndrome (CHS). Also called: Chediak-Higashi Syndrome. Identifiers: Orphanet 167, MedGen C0007965, MONDO:0008963, OMIM 214500.

Allele frequency attached by ClinVar (database versions not stated): gnomAD exomes below 0.00001.
gnomAD v4.1: 3 of 1,609,238 alleles (0.00019%); highest among the groups gnomAD compares: Middle Eastern, 0.05%; no homozygotes.

Submission:

Labcorp Genetics (formerly Invitae), Labcorp
Classification: Uncertain significance for Chédiak-Higashi syndrome. Last evaluated: 2021-08-14. Review status: criteria provided, single submitter. Criteria: Invitae Variant Classification Sherloc (09022015). Collection method: clinical testing. Allele origin: germline.
Comment: This sequence change replaces methionine with isoleucine at codon 2464 of the LYST protein (p.Met2464Ile). The methionine residue is weakly conserved and there is a small physicochemical difference between methionine and isoleucine. This variant is not present in population databases (ExAC no frequency). This variant has not been reported in the literature in individuals affected with LYST-related conditions. Algorithms developed to predict the effect of missense changes on protein structure and function (SIFT, PolyPhen-2, Align-GVGD) all suggest that this variant is likely to be tolerated. In summary, the available evidence is currently insufficient to determine the role of this variant in disease. Therefore, it has been classified as a Variant of Uncertain Significance.